The following is an entry in ClinVar:

ClinVar aggregate classification (germline): Uncertain significance. Review status: criteria provided, multiple submitters, no conflicts (2 of 4 stars). 3 submissions from 3 submitters: Uncertain significance (3). Last evaluated 2026-04-18.

Conditions:
Polycystic kidney disease 4 (PKD4). Also called: POLYCYSTIC KIDNEY AND HEPATIC DISEASE 1; POLYCYSTIC KIDNEY DISEASE, INFANTILE, TYPE I; POLYCYSTIC KIDNEY DISEASE 4 WITH OR WITHOUT POLYCYSTIC LIVER DISEASE; PKD3; Autosomal Recessive Polycystic Kidney Disease – PKHD1. Identifiers: MedGen C4540575, MONDO:0033004, OMIM 263200.
Autosomal recessive polycystic kidney disease (ARPKD). Also called: AR polycystic kidney disease. Identifiers: Orphanet 731, Orphanet 8378, MedGen C0085548, MeSH D017044, MONDO:0009889.
Inborn genetic diseases. Identifiers: MedGen C0950123, MeSH D030342.

Allele frequency attached by ClinVar (database versions not stated): TOPMed below 0.00001; gnomAD 0.00001.
gnomAD v4.1: 1 of 1,614,060 alleles (0.000062%); highest among the groups gnomAD compares: Admixed American, 0.0017%; no homozygotes.

Submissions (3):

Dasa
Classification: Uncertain significance for Polycystic kidney disease 4. Last evaluated: 2026-04-18. Review status: criteria provided, single submitter. Criteria: DASA Assertion Criteria. Collection method: clinical testing. Allele origin: germline.
Comment: NM_138694.4(PKHD1):c.3695T>G (p.Val1232Gly) is a missense variant that results in the substitution of valine with glycine. This variant is rare in population databases. Computational prediction algorithms are consistent with a deleterious effect. The currently available literature and clinical evidence are not sufficient to establish a definitive association between this variant and the reported condition. Therefore, this variant is classified as a variant of uncertain significance.

Ambry Genetics
Classification: Uncertain significance for Inborn genetic diseases. Last evaluated: 2025-12-30. Review status: criteria provided, single submitter. Criteria: Ambry Variant Classification Scheme 2023. Collection method: clinical testing. Allele origin: germline.

Labcorp Genetics (formerly Invitae), Labcorp
Classification: Uncertain significance for Autosomal recessive polycystic kidney disease. Last evaluated: 2022-05-01. Review status: criteria provided, single submitter. Criteria: Invitae Variant Classification Sherloc (09022015). Collection method: clinical testing. Allele origin: germline.
Comment: This sequence change replaces valine, which is neutral and non-polar, with glycine, which is neutral and non-polar, at codon 1232 of the PKHD1 protein (p.Val1232Gly). This variant is not present in population databases (gnomAD no frequency). This variant has not been reported in the literature in individuals affected with PKHD1-related conditions. Advanced modeling of protein sequence and biophysical properties (such as structural, functional, and spatial information, amino acid conservation, physicochemical variation, residue mobility, and thermodynamic stability) performed at Invitae indicates that this missense variant is expected to disrupt PKHD1 protein function. In summary, the available evidence is currently insufficient to determine the role of this variant in disease. Therefore, it has been classified as a Variant of Uncertain Significance.

NM_138694.4(PKHD1):c.3695T>G (p.Val1232Gly)

Gene: PKHD1 (PKHD1 ciliary IPT domain containing fibrocystin/polyductin; minus strand). Cytogenetic location: 6p12.2.
Variant type: single nucleotide variant.
Coding change: c.3695T>G on transcript NM_138694.4 (MANE Select); coding-DNA position 3695, T replaced by G.
Protein change: p.Val1232Gly; replaces valine 1232 with glycine.
Molecular consequence: missense variant.
Genome position (GRCh38, 1-based): chr6:52,026,115, A>C on the plus strand (T>G on the coding strand, the complement: PKHD1 is on the minus strand). VCF-style: chr6-52026115-A-C. GRCh37 (hg19) VCF-style: chr6-51890913-A-C.
Other names: c.3695T>G, p.Val1232Gly (NM_170724.3); c.3695T>G (NM_138694.3); short protein forms V1232G.
Identifiers: ClinVar variation 2165741 (VCV002165741.4), dbSNP rs1802146755, ClinGen allele CA364438427.